The following is an entry in ClinVar:

ClinVar aggregate classification (germline): Likely pathogenic (1 of 4 stars; one submission).

Conditions:
Cardiovascular phenotype. Identifiers: MedGen CN230736.

Submission:

Ambry Genetics
Classification: Likely pathogenic for Cardiovascular phenotype. Last evaluated: 2017-10-13. Review status: criteria provided, single submitter. Criteria: Ambry Variant Classification Scheme 2023. Collection method: clinical testing. Allele origin: germline.
Comment: The p.R169G variant (also known as c.505C>G), located in coding exon 8 of the RYR2 gene, results from a C to G substitution at nucleotide position 505. The arginine at codon 169 is replaced by glycine, an amino acid with dissimilar properties. Other alterations affecting this amino acid (p.R169Q and p.R169L) have been reported in individuals with catecholaminergic polymorphic ventricular tachycardia also known as CPVT (Ohno S et al PLoS ONE 2015 Jun;10(6):e131517). This amino acid position is highly conserved in available vertebrate species. This variant is considered to be deleterious by internal structural analysis. In addition, this alteration is predicted to be deleterious by in silico analysis. Based on the majority of available evidence to date, this variant is likely to be pathogenic.

Literature cited by the submitters: PubMed 19926015; PubMed 26114861.

NM_001035.3(RYR2):c.505C>G (p.Arg169Gly)

Gene: RYR2 (ryanodine receptor 2; plus strand). Cytogenetic location: 1q43.
Variant type: single nucleotide variant.
Coding change: c.505C>G on transcript NM_001035.3 (MANE Select); coding-DNA position 505, C replaced by G.
Protein change: p.Arg169Gly; replaces arginine 169 with glycine.
Molecular consequence: missense variant.
Genome position (GRCh38, 1-based): chr1:237,377,364, C>G. VCF-style: chr1-237377364-C-G. GRCh37 (hg19) VCF-style: chr1-237540664-C-G.
Other names: short protein forms R169G.
Identifiers: ClinVar variation 1745086 (VCV001745086.2), dbSNP rs749930577, ClinGen allele CA345375534.